The following is an entry in ClinVar:

ClinVar aggregate classification (germline): Uncertain significance (1 of 4 stars; one submission).

Conditions:
Acrocallosal syndrome (ACLS). Also called: HALLUX DUPLICATION, POSTAXIAL POLYDACTYLY, AND ABSENCE OF CORPUS CALLOSUM; Schinzel syndrome 1; Absence of corpus callosum with unusual facial appearance, mental deficiency, duplication of the halluces and polydactyly. Identifiers: Orphanet 36, MedGen C0796147, MONDO:0008708, OMIM 200990.

Allele frequency attached by ClinVar (database versions not stated): ExAC 0.00001; gnomAD 0.00001; 1000 Genomes Project 30x 0.00016.

Submission:

Labcorp Genetics (formerly Invitae), Labcorp
Classification: Uncertain significance for Acrocallosal syndrome. Last evaluated: 2024-03-04. Review status: criteria provided, single submitter. Criteria: Invitae Variant Classification Sherloc (09022015). Collection method: clinical testing. Allele origin: germline.
Comment: This variant, c.3274_3282dup, results in the insertion of 3 amino acid(s) of the KIF7 protein (p.Ser1092_Ser1094dup), but otherwise preserves the integrity of the reading frame. This variant is present in population databases (rs752092734, gnomAD 0.003%). This variant has not been reported in the literature in individuals affected with KIF7-related conditions. ClinVar contains an entry for this variant (Variation ID: 1435753). Experimental studies and prediction algorithms are not available or were not evaluated, and the functional significance of this variant is currently unknown. In summary, the available evidence is currently insufficient to determine the role of this variant in disease. Therefore, it has been classified as a Variant of Uncertain Significance.

NM_198525.3(KIF7):c.3274_3282dup (p.Ser1092_Ser1094dup)

Gene: KIF7 (kinesin family member 7; minus strand). Cytogenetic location: 15q26.1.
Variant type: Duplication.
Coding change: c.3274_3282dup on transcript NM_198525.3 (MANE Select); coding-DNA positions 3274 to 3282, 9 bases duplicated (TCATCCTCA; older notation c.3274_3282dupTCATCCTCA).
Protein change: p.Ser1092_Ser1094dup.
Molecular consequence: inframe insertion.
Genome position (GRCh38, 1-based): chr15:89,630,323-89,630,331, TGAGGATGA duplicated on the plus strand (TCATCCTCA on the coding strand, the reverse complement: KIF7 is on the minus strand). VCF-style (leftmost placement, unchanged base first): chr15-89630322-C-CTGAGGATGA. GRCh37 (hg19) VCF-style: chr15-90173553-C-CTGAGGATGA.
Identifiers: ClinVar variation 1435753 (VCV001435753.8), dbSNP rs752092734, ClinGen allele CA7727778.